The following continues an entry in ClinVar:

NM_000179.3(MSH6):c.3227G>A (p.Arg1076His)

Gene: MSH6. ClinVar aggregate classification (germline): Conflicting classifications of pathogenicity. Pathogenic (3); Likely pathogenic (9); Uncertain significance (1).

Submissions 8 to 15 of 15:

Women's Health and Genetics/Laboratory Corporation of America, LabCorp
Classification: Pathogenic for Hereditary nonpolyposis colon cancer. Last evaluated: 2024-12-22. Review status: criteria provided, single submitter. Criteria: LabCorp Variant Classification Summary - May 2015. Collection method: clinical testing. Allele origin: germline.
Comment: Variant summary: MSH6 c.3227G>A (p.Arg1076His) results in a non-conservative amino acid change located in the DNA mismatch repair protein MutS, core domain (IPR007696) of the encoded protein sequence. Five of five in-silico tools predict a damaging effect of the variant on protein function. The variant allele was found at a frequency of 8e-06 in 251346 control chromosomes. The available data on variant occurrences in the general population are insufficient to allow any conclusion about variant significance. c.3227G>A has been reported in the literature and at our laboratory in individuals fulfilling the Amsterdam criteria for Lynch Syndrome/ individuals meeting guidelines for hereditary cancer risk evaluation and/or features of MSH6-related cancer (Caminsky_2016, Liu_2014, Maxwell_2016, Li_2020, Shindo_2017, internal data). These data do not allow any conclusion about variant significance. To our knowledge, no experimental evidence demonstrating an impact on protein function has been reported. The following publications have been ascertained in the context of this evaluation (PMID: 22895193, 26556299, 26898890, 31391288, 24710284, 27153395, 28767289). ClinVar contains an entry for this variant (Variation ID: 186361). Based on the evidence outlined above, the variant was classified as pathogenic.

Quest Diagnostics Nichols Institute San Juan Capistrano
Classification: Likely pathogenic. Last evaluated: 2024-09-11. Review status: criteria provided, single submitter. Criteria: Quest Diagnostics criteria. Collection method: clinical testing. Allele origin: unknown.
Comment: The MSH6 c.3227G>A (p.Arg1076His) variant has been reported in the published literature in numerous individuals/families with Lynch syndrome (PMIDs: 37088804 (2023), 31391288 (2020), 24710284 (2014)), colorectal cancer (PMID: 31997046 (2020)), breast/ovarian cancer (PMIDs: 29263802 (2016), 26898890 (2016), 33471991 (2021), see also LOVD), and pancreatic cancer (PMIDs: 32659497 (2020), 28767289 (2017)). A different variant at this codon, c.3226C>T (p.Arg1076Cys), has been reported in individuals with Lynch syndrome (PMIDs: 26832770 (2016), 27601186 (2016)) with damaging effects on MSH6 protein function (PMID: 22250089 (2012)). The frequency of the c.3227G>A (p.Arg1076His) variant in the general population, 0.000008 (2/251346 chromosomes (Genome Aggregation Database)), is consistent with pathogenicity. Analysis of this variant using bioinformatics tools for the prediction of the effect of amino acid changes on protein structure and function yielded conflicting predictions that this variant is benign or damaging. Based on the available information, this variant is classified as likely pathogenic.

All of Us Research Program, National Institutes of Health
Classification: Uncertain significance for Lynch syndrome. Last evaluated: 2024-05-30. Review status: criteria provided, single submitter. Criteria: ACMG Guidelines, 2015. Collection method: clinical testing. Allele origin: germline. Inheritance: Autosomal dominant inheritance. Observed: 2 variant alleles, 2 heterozygotes.
Comment: This missense variant replaces arginine with histidine at codon 1076 of the MSH6 protein. Computational prediction suggests that this variant may have deleterious impact on protein structure and function (internally defined REVEL score threshold >= 0.7, PMID: 27666373). To our knowledge, functional studies have not been performed for this variant. This variant has been reported in individuals affected with Lynch syndrome, pancreatic, colorectal, and breast and/or ovarian cancers (PMID: 24710284, 26898890, 27153395, 29263802, 28767289, 37088804; ClinVar: SCV000216699.6; communication with external laboratory). However, characterization of mutations in tumors with this variant suggest the mismatch repair phenotype may be explained by other somatic mutations (PMID: 29887214). Different variants occurring at the same codon, c.3226C>T (p.Arg1076Cys) and c.3226C>G (p.Arg1076Gly), are well-documented pathogenic mutations (ClinVar Variation ID: 89357, 428337). This variant has been identified in 2/251346 chromosomes in the general population by the Genome Aggregation Database (gnomAD). The available evidence is insufficient to determine the role of this variant in disease conclusively. Therefore, this variant is classified as a Variant of Uncertain Significance.

This study involves interpretation of variants in research participants for the purpose of population health screening. Participant phenotype was not available at the time of variant classification. Additional details can be found in publication PMID: 35346344, PMCID: PMC8962531

Institute for Biomarker Research, Medical Diagnostic Laboratories, L.L.C.
Classification: Likely pathogenic for Hereditary cancer-predisposing syndrome. Last evaluated: 2024-01-23. Review status: criteria provided, single submitter. Criteria: ACMG Guidelines, 2015. Collection method: clinical testing. Allele origin: germline.

Baylor Genetics
Classification: Likely pathogenic for Endometrial carcinoma. Last evaluated: 2023-05-15. Review status: criteria provided, single submitter. Criteria: ACMG Guidelines, 2015. Collection method: clinical testing. Allele origin: unknown.

Revvity Omics, Revvity
Classification: Likely pathogenic. Last evaluated: 2022-11-08. Review status: criteria provided, single submitter. Criteria: ACMG Guidelines, 2015. Collection method: clinical testing. Allele origin: germline.

University of Washington Department of Laboratory Medicine, University of Washington
Classification: Uncertain significance for Lynch syndrome. Last evaluated: 2018-05-01. Review status: flagged submission. Criteria: Shirts BH et al. (Am J Hum Genet 2018). Collection method: clinical testing. Allele origin: somatic. Affected: yes. Not counted in ClinVar's aggregate classification.
Comment: MSH6 NM_000179.2:c.3227G>A has a 58.2% probability of pathogenicity based on combining prior probability from public data with a likelihood ratio of 0.16 to 1, generated from evidence of seeing this as a somatic mutation in a tumor with loss of heterozygosity at the MSH6 locus. See Shirts et al 2018, PMID 29887214.
ClinVar note: Reason: Older and outlier claim with insufficient supporting evidence

Mayo Clinic Laboratories, Mayo Clinic
Classification: Uncertain significance. Review status: flagged submission. Collection method: research. Allele origin: unknown. Observed: 2 variant alleles. Not counted in ClinVar's aggregate classification.
ClinVar note: Reason: Outlier claim with insufficient supporting evidence

Literature cited by the submitters: PubMed 24710284 (cited by 7 submitters); PubMed 26556299 (cited by Clinical Genetics Lab, Heritas and Women's Health and Genetics/Laboratory Corporation of America, LabCorp); PubMed 27153395 (cited by 6 submitters); PubMed 29263802 (cited by 5 submitters); PubMed 28767289 (cited by 6 submitters); PubMed 31857677 (cited by Clinical Genetics Lab, Heritas and Quest Diagnostics Nichols Institute San Juan Capistrano); PubMed 31997046 (cited by 4 submitters); PubMed 32659497 (cited by 3 submitters); PubMed 34404389 (cited by Clinical Genetics Lab, Heritas and Quest Diagnostics Nichols Institute San Juan Capistrano); PubMed 37088804 (cited by 4 submitters); PubMed 26898890 (cited by 5 submitters); PubMed 15483016 (cited by Labcorp Genetics (formerly Invitae), Labcorp); PubMed 16418736 (cited by Labcorp Genetics (formerly Invitae), Labcorp); PubMed 16525781 (cited by Labcorp Genetics (formerly Invitae), Labcorp); PubMed 18409202 (cited by Labcorp Genetics (formerly Invitae), Labcorp); PubMed 18566915 (cited by Labcorp Genetics (formerly Invitae), Labcorp); PubMed 21039432 (cited by Labcorp Genetics (formerly Invitae), Labcorp and Ambry Genetics); PubMed 31391288 (cited by 3 submitters); PubMed 22895193 (cited by Women's Health and Genetics/Laboratory Corporation of America, LabCorp and Quest Diagnostics Nichols Institute San Juan Capistrano); PubMed 29887214 (cited by Quest Diagnostics Nichols Institute San Juan Capistrano and All of Us Research Program, National Institutes of Health); PubMed 33471991 (cited by Quest Diagnostics Nichols Institute San Juan Capistrano).